The following is an entry in ClinVar:

ClinVar aggregate classification (germline): Benign/Likely benign. Review status: criteria provided, multiple submitters, no conflicts (2 of 4 stars). 6 submissions from 6 submitters: Benign (2); Likely benign (4). Last evaluated 2026-01-31.

Conditions:
Developmental and epileptic encephalopathy, 12 (DEE12). Identifiers: MedGen C3150988, MONDO:0013389, OMIM 613722.

Allele frequency attached by ClinVar (database versions not stated): gnomAD exomes 0.00042 and 0.00120; ExAC 0.00144; 1000 Genomes Project 0.00379; 1000 Genomes Project 30x 0.00390; gnomAD 0.00458 and 0.00492; TOPMed 0.00510; ESP Exome Variant Server 0.00531.
gnomAD v4.1: 1,378 of 1,613,712 alleles (0.085%); highest among the groups gnomAD compares: African/African-American, 1.5%; 14 homozygotes.

Submissions (6):

Labcorp Genetics (formerly Invitae), Labcorp
Classification: Benign for Developmental and epileptic encephalopathy, 12. Last evaluated: 2026-01-31. Review status: criteria provided, single submitter. Criteria: Invitae Variant Classification Sherloc (09022015). Collection method: clinical testing. Allele origin: germline.

Blueprint Genetics
Classification: Likely benign. Last evaluated: 2024-07-18. Review status: criteria provided, single submitter. Criteria: ACMG Guidelines, 2015. Collection method: clinical testing. Allele origin: germline.

GeneDx
Classification: Likely benign. Last evaluated: 2020-12-25. Review status: criteria provided, single submitter. Criteria: GeneDx Variant Classification Process June 2021. Collection method: clinical testing. Allele origin: germline. Affected: yes.

Illumina Laboratory Services, Illumina
Classification: Likely benign for Developmental and epileptic encephalopathy, 12. Last evaluated: 2018-01-13. Review status: criteria provided, single submitter. Criteria: ICSL Variant Classification Criteria 13 December 2019. Collection method: clinical testing. Allele origin: germline.
Comment: This variant was observed in the ICSL laboratory as part of a predisposition screen in an ostensibly healthy population. It had not been previously curated by ICSL or reported in the Human Gene Mutation Database (HGMD: prior to June 1st, 2018), and was therefore a candidate for classification through an automated scoring system. Utilizing variant allele frequency, disease prevalence and penetrance estimates, and inheritance mode, an automated score was calculated to assess if this variant is too frequent to cause the disease. Based on the score and internal cut-off values, a variant classified as likely benign is not then subjected to further curation. The score for this variant resulted in a classification of likely benign for this disease.

Genetic Services Laboratory, University of Chicago
Classification: Benign. Last evaluated: 2015-09-18. Review status: criteria provided, single submitter. Criteria: ACMG Guidelines, 2015. Collection method: clinical testing. Allele origin: germline. Affected: no.

Breakthrough Genomics
Classification: Likely benign. Review status: criteria provided, single submitter. Criteria: ACMG Guidelines, 2015. Collection method: not provided. Allele origin: germline. Inheritance: Autosomal recessive inheritance. Affected: yes.

NM_015192.4(PLCB1):c.1167+7T>C

Gene: PLCB1 (phospholipase C beta 1; plus strand). Cytogenetic location: 20p12.3.
Variant type: single nucleotide variant.
Coding change: c.1167+7T>C on transcript NM_015192.4 (MANE Select); 7 bases into the intron after coding-DNA position 1167, T replaced by C.
Molecular consequence: intron variant.
Genome position (GRCh38, 1-based): chr20:8,697,790, T>C. VCF-style: chr20-8697790-T-C. GRCh37 (hg19) VCF-style: chr20-8678437-T-C.
Other names: c.1167+7T>C (NM_182734.3).
Identifiers: ClinVar variation 129900 (VCV000129900.23), dbSNP rs45466294, ClinGen allele CA154261.